The following is an entry in ClinVar:

ClinVar aggregate classification (germline): Uncertain significance (0 of 4 stars; one submission).

Conditions:
PAX6-related disorder. Also called: PAX6-related disorders; PAX6-related condition.

Allele frequency attached by ClinVar (database versions not stated): gnomAD exomes 0.00004; gnomAD 0.00005; TOPMed 0.00009; ExAC 0.00018.
gnomAD v4.1: 27 of 750,640 alleles (0.0036%); highest among the groups gnomAD compares: African/African-American, 0.015%; no homozygotes.

Submission:

PreventionGenetics, part of Exact Sciences
Classification: Uncertain significance for PAX6-related condition. Last evaluated: 2023-11-02. Review status: no assertion criteria provided. Collection method: clinical testing. Allele origin: germline.
Comment: The PAX6 c.1172G>A variant is predicted to result in the amino acid substitution p.Arg391Gln. In an alternate transcript (NM_000280.4), this variant is found within an intronic region (c.1032+140G>A). To our knowledge, this variant has not been reported in the literature. This variant is reported in 0.019% of alleles in individuals of East Asian descent in gnomAD, which is likely too frequent for a disease-causing variant. Although we suspect that this variant may be benign, at this time, the clinical significance of this variant is uncertain due to the absence of conclusive functional and genetic evidence.

NM_001368894.2(PAX6):c.1074+140G>A

Gene: PAX6 (paired box 6; minus strand). Cytogenetic location: 11p13.
Variant type: single nucleotide variant.
Coding change: c.1074+140G>A on transcript NM_001368894.2 (MANE Select); 140 bases into the intron after coding-DNA position 1074, G replaced by A.
Molecular consequence: intron variant. On other transcripts: missense variant (1).
Genome position (GRCh38, 1-based): chr11:31,793,298, C>T on the plus strand (G>A on the coding strand, the complement: PAX6 is on the minus strand). VCF-style: chr11-31793298-C-T. GRCh37 (hg19) VCF-style: chr11-31814846-C-T.
Other names: c.1172G>A, p.Arg391Gln (NM_001310159.1); c.1032+140G>A (NM_001127612.3, NM_001368890.2, NM_001368888.2 and 9 more transcripts); c.873+140G>A (NM_001368921.2, NM_001368923.2, NM_001368926.2 and 4 more transcripts); c.1074+140G>A (NM_001258462.3, NM_001310158.2, NM_001258463.2 and 6 more transcripts); c.1149+140G>A (NM_001368919.2, NM_001368918.2); c.1275+140G>A (NM_001368910.2); c.624+140G>A (NM_001368909.2, NM_001368904.2, NM_001368905.2 and 11 more transcripts); c.1077+140G>A (NM_001368911.2); and 3 more; short protein forms R391Q.
Identifiers: ClinVar variation 3036407 (VCV003036407.2), dbSNP rs762059600, ClinGen allele CA5933717.